The following is an entry in ClinVar:

ClinVar aggregate classification (germline): Uncertain significance (1 of 4 stars; one submission).

Conditions:
COG5-congenital disorder of glycosylation. Also called: CDG IIi; COG5-CDG; CONGENITAL DISORDER OF GLYCOSYLATION, TYPE IIi. Identifiers: Orphanet 263487, MedGen C3150876, MONDO:0013325, OMIM 613612.

Submission:

Labcorp Genetics (formerly Invitae), Labcorp
Classification: Uncertain significance for COG5-congenital disorder of glycosylation. Last evaluated: 2026-02-02. Review status: criteria provided, single submitter. Criteria: Invitae Variant Classification Sherloc (09022015). Collection method: clinical testing. Allele origin: germline.
Comment: This sequence change replaces glutamic acid, which is acidic and polar, with aspartic acid, which is acidic and polar, at codon 799 of the COG5 protein (p.Glu799Asp). This variant is not present in population databases (gnomAD no frequency). This variant has not been reported in the literature in individuals affected with COG5-related conditions. ClinVar contains an entry for this variant (Variation ID: 2419410). Invitae Evidence Modeling of protein sequence and biophysical properties (such as structural, functional, and spatial information, amino acid conservation, physicochemical variation, residue mobility, and thermodynamic stability) indicates that this missense variant is not expected to disrupt COG5 protein function with a negative predictive value of 80%. In summary, the available evidence is currently insufficient to determine the role of this variant in disease. Therefore, it has been classified as a Variant of Uncertain Significance.

NM_006348.5(COG5):c.2304G>C (p.Glu768Asp)

Gene: COG5 (component of oligomeric golgi complex 5; minus strand). Cytogenetic location: 7q22.3.
Variant type: single nucleotide variant.
Coding change: c.2304G>C on transcript NM_006348.5 (MANE Select); coding-DNA position 2304, G replaced by C.
Protein change: p.Glu768Asp; replaces glutamic acid 768 with aspartic acid.
Molecular consequence: missense variant. On other transcripts: intron variant (1).
Genome position (GRCh38, 1-based): chr7:107,210,597, C>G on the plus strand (G>C on the coding strand, the complement: COG5 is on the minus strand). VCF-style: chr7-107210597-C-G. GRCh37 (hg19) VCF-style: chr7-106851042-C-G.
Other names: c.2304G>C, p.Glu768Asp (NM_001161520.2); c.2142G>C, p.Glu714Asp (NM_001379511.1); c.2130G>C, p.Glu710Asp (NM_001379512.1); c.1989G>C, p.Glu663Asp (NM_001379514.1); c.1734G>C, p.Glu578Asp (NM_001379515.1); c.1590G>C, p.Glu530Asp (NM_001379516.1); c.2241G>C, p.Glu747Asp (NM_181733.4); c.2169-6967G>C (NM_001379513.1); short protein forms E530D, E578D, E663D, E710D, E714D, E747D, E768D.
Identifiers: ClinVar variation 2419410 (VCV002419410.6), dbSNP rs1799090817, ClinGen allele CA368839557.
Genomic context (GRCh38, chr7:107,210,597, plus strand): 5'-GAGCCTGTCCTTTTCAGATGGATGGTCATCCAGCCACTGAGAGAAGCGTGTGTGGGACCA[C>G]TCTGCCCTCTGCAGGGTTGAAACACAATTAGAGAGAGTGCATACGCATTCTTTAGTAAAT-3'
Protein context (NP_006339.4, residues 758-778): AELKSPFQRA[Glu768Asp]WSHTRFSQWL